The following is an entry in ClinVar:

NM_004260.4(RECQL4):c.1687G>C (p.Glu563Gln)

Gene: RECQL4 (RecQ like helicase 4; minus strand). Cytogenetic location: 8q24.3.
Variant type: single nucleotide variant.
Coding change: c.1687G>C on transcript NM_004260.4 (MANE Select); coding-DNA position 1687, G replaced by C.
Protein change: p.Glu563Gln; replaces glutamic acid 563 with glutamine.
Molecular consequence: missense variant. On other transcripts: non-coding transcript variant (3).
Genome position (GRCh38, 1-based): chr8:144,514,459, C>G on the plus strand (G>C on the coding strand, the complement: RECQL4 is on the minus strand). VCF-style: chr8-144514459-C-G. GRCh37 (hg19) VCF-style: chr8-145739843-C-G.
Other names: c.1591G>C, p.Glu531Gln (NM_001413017.1, NM_001413020.1); c.1687G>C, p.Glu563Gln (NM_001413018.1, NM_001413019.1, NM_001413033.1 and 1 more transcripts); c.616G>C, p.Glu206Gln (NM_001413021.1, NM_001413022.1, NM_001413023.1 and 7 more transcripts); c.1558G>C, p.Glu520Gln (NM_001413025.1); c.550G>C, p.Glu184Gln (NM_001413027.1, NM_001413030.1, NM_001413031.1 and 2 more transcripts); c.1336G>C, p.Glu446Gln (NM_001413029.1); c.1657G>C, p.Glu553Gln (NM_001413039.1); c.586G>C, p.Glu196Gln (NM_001413042.1); and 1 more; short protein forms E196Q, E446Q, E531Q, E184Q, E563Q, E74Q, E206Q, E520Q.
Identifiers: ClinVar variation 5028101 (VCV005028101.1).
Genomic context (GRCh38, chr8:144,514,459, plus strand): 5'-CCGCCCGCTGCCTCCCTCACCCCTAGGCCCATGAGGCCCCCACCTTCTGCAGGACAGATT[C>G]CCGTTGCTTCCTGGTCATGCCCGAGTGTATGCAGGCCGCCTTGAGACACGGTGGCAGGCC-3'
Protein context (NP_004251.4, residues 553-573): IHSGMTRKQR[Glu563Gln]SVLQKIRAAQ

ClinVar aggregate classification (germline): Uncertain significance (1 of 4 stars; one submission).

Conditions:
Inborn genetic diseases. Identifiers: MedGen C0950123, MeSH D030342.

gnomAD v4.1: 4 of 1,612,240 alleles (0.00025%); highest among the groups gnomAD compares: Non-Finnish European, 0.00034%; no homozygotes.

Submission:

Ambry Genetics
Classification: Uncertain significance for Inborn genetic diseases. Last evaluated: 2026-08-16. Review status: criteria provided, single submitter. Criteria: Ambry Variant Classification Scheme 2023. Collection method: clinical testing. Allele origin: germline.
Comment: The p.E563Q variant (also known as c.1687G>C), located in coding exon 10 of the RECQL4 gene, results from a G to C substitution at nucleotide position 1687. The glutamic acid at codon 563 is replaced by glutamine, an amino acid with highly similar properties. This amino acid position is conserved. In addition, this alteration is predicted to be tolerated by in silico analysis. Based on the available evidence, the clinical significance of this variant remains unclear.